The following is an entry in ClinVar:

NM_032447.5(FBN3):c.1247_1249del (p.Thr416del)

Gene: FBN3 (fibrillin 3; minus strand). Cytogenetic location: 19p13.2.
Variant type: Deletion.
Coding change: c.1247_1249del on transcript NM_032447.5 (MANE Select); coding-DNA positions 1247 to 1249, 3 bases deleted (CCA; older notation c.1247_1249delCCA).
Protein change: p.Thr416del; deletes threonine 416.
Molecular consequence: inframe deletion.
Genome position (GRCh38, 1-based): chr19:8,136,484-8,136,486, TGG deleted on the plus strand (CCA on the coding strand, the reverse complement: FBN3 is on the minus strand); deleting any 3 consecutive bases within chr19:8,136,484-8,136,488 gives the same sequence; the c. name uses the placement nearest the transcript's 3' end. VCF-style (leftmost placement, unchanged base first): chr19-8136483-TTGG-T. GRCh37 (hg19) VCF-style: chr19-8201367-TTGG-T.
Other names: c.1247_1249del, p.Thr416del (NM_001321431.2); short protein forms T416del.
Identifiers: ClinVar variation 4692202 (VCV004692202.1).

ClinVar aggregate classification (germline): Uncertain significance (1 of 4 stars; one submission).

Submission:

Labcorp Genetics (formerly Invitae), Labcorp
Classification: Uncertain significance. Last evaluated: 2025-10-05. Review status: criteria provided, single submitter. Criteria: Invitae Variant Classification Sherloc (09022015). Collection method: clinical testing. Allele origin: germline.
Comment: This variant, c.1247_1249del, results in the deletion of 1 amino acid(s) of the FBN3 protein (p.Thr416del), but otherwise preserves the integrity of the reading frame. This variant is present in population databases (rs753690137, gnomAD 0.02%). This variant has not been reported in the literature in individuals affected with FBN3-related conditions. Experimental studies and prediction algorithms are not available or were not evaluated, and the functional significance of this variant is currently unknown. In summary, the available evidence is currently insufficient to determine the role of this variant in disease. Therefore, it has been classified as a Variant of Uncertain Significance.